The following is an entry in ClinVar:

ClinVar aggregate classification (germline): Uncertain significance (1 of 4 stars; one submission).

Conditions:
Cardiovascular phenotype. Identifiers: MedGen CN230736.

Allele frequency attached by ClinVar (database versions not stated): gnomAD 0.00001.
gnomAD v4.1: 1 of 1,612,262 alleles (0.000062%); highest among the groups gnomAD compares: African/African-American, 0.0013%; no homozygotes.

Submission:

Ambry Genetics
Classification: Uncertain significance for Cardiovascular phenotype. Last evaluated: 2019-06-17. Review status: criteria provided, single submitter. Criteria: Ambry Variant Classification Scheme 2023. Collection method: clinical testing. Allele origin: germline.
Comment: The p.R3087G variant (also known as c.9259A>G), located in coding exon 38 of the AKAP9 gene, results from an A to G substitution at nucleotide position 9259. The arginine at codon 3087 is replaced by glycine, an amino acid with dissimilar properties. This amino acid position is highly conserved in available vertebrate species. In addition, the in silico prediction for this alteration is inconclusive. Since supporting evidence is limited at this time, the clinical significance of this alteration remains unclear.

NM_005751.5(AKAP9):c.9259A>G (p.Arg3087Gly)

Gene: AKAP9 (A-kinase anchoring protein 9; plus strand). Cytogenetic location: 7q21.2.
Variant type: single nucleotide variant.
Coding change: c.9259A>G on transcript NM_005751.5 (MANE Select); coding-DNA position 9259, A replaced by G.
Protein change: p.Arg3087Gly; replaces arginine 3087 with glycine.
Molecular consequence: missense variant.
Genome position (GRCh38, 1-based): chr7:92,089,430, A>G. VCF-style: chr7-92089430-A-G. GRCh37 (hg19) VCF-style: chr7-91718744-A-G.
Other names: c.3904A>G, p.Arg1302Gly (NM_001379277.1); c.9235A>G, p.Arg3079Gly (NM_147185.3); short protein forms R1302G, R3079G, R3087G.
Identifiers: ClinVar variation 1766349 (VCV001766349.2), dbSNP rs1815155123, ClinGen allele CA368144570.